The following is an entry in ClinVar:

NM_017617.5(NOTCH1):c.1141T>C (p.Cys381Arg)

Gene: NOTCH1 (notch receptor 1; minus strand). Cytogenetic location: 9q34.3.
Variant type: single nucleotide variant.
Coding change: c.1141T>C on transcript NM_017617.5 (MANE Select); coding-DNA position 1141, T replaced by C.
Protein change: p.Cys381Arg; replaces cysteine 381 with arginine.
Molecular consequence: missense variant.
Genome position (GRCh38, 1-based): chr9:136,518,251, A>G on the plus strand (T>C on the coding strand, the complement: NOTCH1 is on the minus strand). VCF-style: chr9-136518251-A-G. GRCh37 (hg19) VCF-style: chr9-139412703-A-G.
Other names: short protein forms C381R.
Identifiers: ClinVar variation 3342462 (VCV003342462.1).

ClinVar aggregate classification (germline): Uncertain significance (1 of 4 stars; one submission).

Submission:

GeneDx
Classification: Uncertain significance. Last evaluated: 2023-08-14. Review status: criteria provided, single submitter. Criteria: GeneDx Variant Classification Process June 2021. Collection method: clinical testing. Allele origin: germline. Affected: yes.
Comment: Not observed at significant frequency in large population cohorts (gnomAD); In silico analysis supports that this missense variant has a deleterious effect on protein structure/function; Has not been previously published as pathogenic or benign to our knowledge